The following is an entry in ClinVar:

NM_032737.4(LMNB2):c.257C>T (p.Thr86Met)

Genes: LMNB2 (lamin B2; minus strand), LOC130063065 (ATAC-STARR-seq lymphoblastoid silent region 9791; plus strand). Cytogenetic location: 19p13.3.
Variant type: single nucleotide variant.
Coding change: c.257C>T on transcript NM_032737.4 (MANE Select); coding-DNA position 257, C replaced by T.
Protein change: p.Thr86Met; replaces threonine 86 with methionine.
Molecular consequence: missense variant.
Genome position (GRCh38, 1-based): chr19:2,456,677, G>A on the plus strand (C>T on the coding strand, the complement: LMNB2 is on the minus strand). VCF-style: chr19-2456677-G-A. GRCh37 (hg19) VCF-style: chr19-2456675-G-A.
Other names: short protein forms T86M.
Identifiers: ClinVar variation 4782813 (VCV004782813.1).

ClinVar aggregate classification (germline): Uncertain significance (1 of 4 stars; one submission).

Conditions:
Progressive myoclonic epilepsy type 9. Identifiers: Orphanet 457265, MedGen C4225289, MONDO:0014685, OMIM 616540.
Lipodystrophy, partial, acquired, susceptibility to (APLD). Also called: APLD, SUSCEPTIBILITY TO. Identifiers: MedGen C3887501, MONDO:0100476, OMIM 608709.

Submission:

Labcorp Genetics (formerly Invitae), Labcorp
Classification: Uncertain significance for Progressive myoclonic epilepsy type 9; Lipodystrophy, partial, acquired, susceptibility to. Last evaluated: 2025-07-15. Review status: criteria provided, single submitter. Criteria: Invitae Variant Classification Sherloc (09022015). Collection method: clinical testing. Allele origin: germline.
Comment: This sequence change replaces threonine, which is neutral and polar, with methionine, which is neutral and non-polar, at codon 86 of the LMNB2 protein (p.Thr86Met). This variant is not present in population databases (gnomAD no frequency). This variant has not been reported in the literature in individuals affected with LMNB2-related conditions. Invitae Evidence Modeling of protein sequence and biophysical properties (such as structural, functional, and spatial information, amino acid conservation, physicochemical variation, residue mobility, and thermodynamic stability) indicates that this missense variant is expected to disrupt LMNB2 protein function with a positive predictive value of 80%. In summary, the available evidence is currently insufficient to determine the role of this variant in disease. Therefore, it has been classified as a Variant of Uncertain Significance.